The following is an entry in ClinVar:

NM_001048174.2(MUTYH):c.1556del (p.Ala519fs)

Gene: MUTYH (mutY DNA glycosylase; minus strand). Cytogenetic location: 1p34.1.
Variant type: Deletion.
Coding change: c.1556del on transcript NM_001048174.2 (MANE Select); coding-DNA position 1556, one base deleted (C; older notation c.1556delC).
Protein change: p.Ala519fs; shifts the reading frame from alanine 519.
Molecular consequence: frameshift variant. On other transcripts: non-coding transcript variant (2).
Genome position (GRCh38, 1-based): chr1:45,329,316, G deleted on the plus strand (C on the coding strand, the reverse complement: MUTYH is on the minus strand). VCF-style (leftmost placement, unchanged base first): chr1-45329315-TG-T. GRCh37 (hg19) VCF-style: chr1-45794987-TG-T.
Other names: c.1556del, p.Ala519fs (NM_001048171.2, NM_001048173.2, NM_001293195.2); c.1559del, p.Ala520fs (NM_001048172.2); c.1640del, p.Ala547fs (NM_001128425.2); c.1601del, p.Ala534fs (NM_001293190.2); c.1589del, p.Ala530fs (NM_001293191.2); c.1280del, p.Ala427fs (NM_001293192.2, NM_001293196.2); c.1211del, p.Ala404fs (NM_001350650.2, NM_001350651.2); c.1631del, p.Ala544fs (NM_012222.3); and 2 more; short protein forms A520fs, A544fs, A519fs, A530fs, A547fs, A427fs, A534fs, A404fs.
Identifiers: ClinVar variation 127843 (VCV000127843.24), dbSNP rs587780086, ClinGen allele CA013189.

ClinVar aggregate classification (germline): Conflicting classifications of pathogenicity. Review status: criteria provided, conflicting classifications (1 of 4 stars). 8 submissions from 8 submitters: Likely pathogenic (3); Uncertain significance (4). 1 of the submissions does not count toward it. Last evaluated 2025-12-09.

Conditions:
Hereditary cancer-predisposing syndrome. Also called: Tumor predisposition; Hereditary neoplastic syndrome; Neoplastic Syndromes, Hereditary; Hereditary Cancer Syndrome. Identifiers: Orphanet 140162, MedGen C0027672, MeSH D009386, MONDO:0015356.
Familial adenomatous polyposis 2. Also called: Adenomas, multiple colorectal; MUTYH-associated polyposis; MUTYH-related attenuated familial adenomatous polyposis; MUTYH Polyposis; COLORECTAL ADENOMATOUS POLYPOSIS, AUTOSOMAL RECESSIVE; ADENOMAS, MULTIPLE COLORECTAL, AUTOSOMAL RECESSIVE. Identifiers: Orphanet 220460, Orphanet 247798, MedGen C3272841, MONDO:0012041, OMIM 608456.

Allele frequency attached by ClinVar (database versions not stated): gnomAD exomes below 0.00001 and 0.00001; gnomAD 0.00001; ExAC 0.00001.

Submissions (8):

Labcorp Genetics (formerly Invitae), Labcorp
Classification: Likely pathogenic for Familial adenomatous polyposis 2. Last evaluated: 2025-12-09. Review status: criteria provided, single submitter. Criteria: Invitae Variant Classification Sherloc (09022015). Collection method: clinical testing. Allele origin: germline.
Comment: This sequence change is expected to alter the c-terminus of the MUTYH protein (p.Ala547Glufs*24). While this is not anticipated to result in nonsense mediated decay, it is expected to disrupt the last 3 amino acid(s) of the MUTYH protein and extend the protein by 20 additional amino acid residues. This variant is present in population databases (rs587780086, gnomAD 0.004%). This frameshift has been observed in individual(s) with MUTYH-associated polyposis (PMID: 34704405; external communication). In at least one individual the data is consistent with being in trans (on the opposite chromosome) from a pathogenic variant. ClinVar contains an entry for this variant (Variation ID: 127843). Experimental studies and prediction algorithms are not available or were not evaluated, and the functional significance of this variant is currently unknown. Algorithms developed to predict the effect of sequence changes on RNA splicing suggest that this variant may create or strengthen a splice site. In summary, the currently available evidence indicates that the variant is pathogenic, but additional data are needed to prove that conclusively. Therefore, this variant has been classified as Likely Pathogenic.

Otogenetics
Classification: Likely pathogenic for Familial adenomatous polyposis 2. Last evaluated: 2025-08-25. Review status: criteria provided, single submitter. Criteria: ACMG Guidelines, 2015. Collection method: clinical testing. Allele origin: germline.
Comment: PVS1_Strong: Null variant introduces a frameshift in a gene with loss of function as mechanism of disease, truncating C-terminus; PM2: Maximum gnomAD MAF of 0.0046% in European-Finnish (FIN) (<0.25% threshold)

Ambry Genetics
Classification: Likely pathogenic for Hereditary cancer-predisposing syndrome. Last evaluated: 2024-12-20. Review status: criteria provided, single submitter. Criteria: Ambry Variant Classification Scheme 2023. Collection method: clinical testing. Allele origin: germline.
Comment: The c.1640delC variant, located in coding exon 16 of the MUTYH gene, results from a deletion of one nucleotide at nucleotide position 1640, causing a translational frameshift with a predicted alternate stop codon (p.A547Efs*24). Frameshifts are typically deleterious in nature, however, this frameshift occurs at the 3' terminus of MUTYH, is not expected to trigger nonsense-mediated mRNA decay, and results in the elongation of the protein by 20 amino acids. This alteration has also been detected in a biallelic state in multiple patients with polyposis (Ambry internal data). Based on the majority of available evidence to date, this variant is likely to be pathogenic.

All of Us Research Program, National Institutes of Health
Classification: Uncertain significance for Familial adenomatous polyposis 2. Last evaluated: 2023-08-15. Review status: criteria provided, single submitter. Criteria: ACMG Guidelines, 2015. Collection method: clinical testing. Allele origin: germline. Inheritance: Autosomal recessive inheritance. Observed: 1 variant allele, 1 heterozygote.
Comment: This study involves interpretation of variants in research participants for the purpose of population health screening. Participant phenotype was not available at the time of variant classification. Additional details can be found in publication PMID: 35346344, PMCID: PMC8962531

Baylor Genetics
Classification: Uncertain significance for Familial adenomatous polyposis 2. Last evaluated: 2023-07-26. Review status: criteria provided, single submitter. Criteria: ACMG Guidelines, 2015. Collection method: clinical testing. Allele origin: unknown.

Color Diagnostics, LLC DBA Color Health
Classification: Uncertain significance for Hereditary cancer-predisposing syndrome. Last evaluated: 2019-03-27. Review status: criteria provided, single submitter. Criteria: ACMG Guidelines, 2015. Collection method: clinical testing. Allele origin: germline.

GeneDx
Classification: Uncertain significance. Last evaluated: 2014-02-21. Review status: criteria provided, single submitter. Criteria: GeneDx Variant Classification (06012015). Collection method: clinical testing. Allele origin: germline. Affected: yes.
Comment: This variant is denoted MUTYH c.1640delC at the cDNA level and p.Ala547GlufsX24 (A547EfsX24) at the protein level. The normal sequence, with the base that is deleted in brackets, is AGTG[C]AGCC. The deletion causes a frameshift in codon 547, which changes an Alanine to a Glutamic Acid, resulting in in the loss of a native stop codon, replacing the last 3 amino acids and likely causing the protein to be extended by 20 more amino acids on the new reading frame. MUTYH Ala547GlufsX24 has not, to our knowledge, been published in the literature as pathogenic or benign. This variant has not been observed in approximately 6,500 individuals of European and African American ancestry in the NHLBI Exome Sequencing Project. Despite the frameshift nature of this variant, its location at the end of the protein might not cause a deleterious effect on protein structure or function. Therefore, with the data currently available, we consider MUTYH Ala547GlufsX24 to be a variant of uncertain significance.

Counsyl
Classification: Uncertain significance for Familial adenomatous polyposis 2. Last evaluated: 2015-11-20. Review status: no assertion criteria provided. Collection method: clinical testing. Allele origin: unknown. Not counted in ClinVar's aggregate classification.

Literature cited by the submitters: PubMed 34704405 (cited by Labcorp Genetics (formerly Invitae), Labcorp); PubMed 26615199 (cited by Ambry Genetics).